The following is an entry in ClinVar:

NM_003482.4(KMT2D):c.3618C>T (p.Asn1206=)

Genes: KMT2D (lysine methyltransferase 2D; minus strand), LOC126861520 (CDK7 strongly-dependent group 2 enhancer GRCh37_chr12:49442744-49443943; plus strand). Cytogenetic location: 12q13.12.
Variant type: single nucleotide variant.
Coding change: c.3618C>T on transcript NM_003482.4 (MANE Select); coding-DNA position 3618, C replaced by T.
Protein change: p.Asn1206=; no amino-acid change (asparagine 1206 retained).
Molecular consequence: synonymous variant.
Genome position (GRCh38, 1-based): chr12:49,049,970, G>A on the plus strand (C>T on the coding strand, the complement: KMT2D is on the minus strand). VCF-style: chr12-49049970-G-A. GRCh37 (hg19) VCF-style: chr12-49443753-G-A.
Identifiers: ClinVar variation 447671 (VCV000447671.13), dbSNP rs200624640, ClinGen allele CA6548020.

ClinVar aggregate classification (germline): Benign/Likely benign. Review status: criteria provided, multiple submitters, no conflicts (2 of 4 stars). 6 submissions from 6 submitters: Benign (2); Likely benign (4). Last evaluated 2026-09-01.

Conditions:
KMT2D-related disorder. Also called: KMT2D-Related Disorders.
Kabuki syndrome. Also called: Kabuki make-up syndrome; NIIKAWA-KUROKI SYNDROME. Identifiers: Orphanet 2322, MedGen C0796004, MONDO:0016512.

Allele frequency attached by ClinVar (database versions not stated): 1000 Genomes Project 0.00020; 1000 Genomes Project 30x 0.00031; gnomAD exomes 0.00005 and 0.00007; TOPMed 0.00008; ExAC 0.00010; gnomAD 0.00011 and 0.00012.
gnomAD v4.1: 86 of 1,613,982 alleles (0.0053%); highest among the groups gnomAD compares: African/African-American, 0.008%; no homozygotes.

Submissions (6):

CeGaT Center for Human Genetics Tuebingen
Classification: Likely benign. Last evaluated: 2026-09-01. Review status: criteria provided, single submitter. Criteria: CeGaT Center For Human Genetics Tuebingen Variant Classification Criteria Version 2. Collection method: clinical testing. Allele origin: germline. Affected: yes. Observed: 1 variant allele.
Comment: KMT2D: BP4, BP7

Labcorp Genetics (formerly Invitae), Labcorp
Classification: Likely benign for Kabuki syndrome. Last evaluated: 2025-08-20. Review status: criteria provided, single submitter. Criteria: Invitae Variant Classification Sherloc (09022015). Collection method: clinical testing. Allele origin: germline.

PreventionGenetics, part of Exact Sciences
Classification: Likely benign for KMT2D-related condition. Last evaluated: 2025-07-22. Review status: criteria provided, single submitter. Criteria: ACMG Guidelines, 2015. Collection method: clinical testing. Allele origin: germline.
Comment: This variant is classified as likely benign based on ACMG/AMP sequence variant interpretation guidelines (Richards et al. 2015 PMID: 25741868, with internal and published modifications).

Blueprint Genetics
Classification: Likely benign. Last evaluated: 2022-06-02. Review status: criteria provided, single submitter. Criteria: ACMG Guidelines, 2015. Collection method: clinical testing. Allele origin: germline.

GeneDx
Classification: Benign. Last evaluated: 2019-07-17. Review status: criteria provided, single submitter. Criteria: GeneDx Variant Classification Process June 2021. Collection method: clinical testing. Allele origin: germline. Affected: yes.

Athena Diagnostics
Classification: Benign. Last evaluated: 2017-02-16. Review status: criteria provided, single submitter. Criteria: Athena Diagnostics Criteria. Collection method: clinical testing. Allele origin: germline.